The following is an entry in ClinVar:

ClinVar aggregate classification (germline): Uncertain significance (1 of 4 stars; one submission).

Conditions:
Biotin-responsive basal ganglia disease (BTBGD). Also called: Thiamine metabolism dysfunction syndrome type 2; Thiamine Transporter-2 Deficiency; THIAMINE METABOLISM DYSFUNCTION SYNDROME 2 (BIOTIN- AND THIAMINE-RESPONSIVE TYPE); Thiamine metabolism dysfunction syndrome 2 (biotin- or thiamine-responsive encephalopathy type 2); thiamine-responsive encephalopathy. Identifiers: Orphanet 199348, Orphanet 65284, MedGen C1843807, MONDO:0011841, OMIM 607483.

Allele frequency attached by ClinVar (database versions not stated): gnomAD 0.00001; TOPMed 0.00001.

Submission:

Labcorp Genetics (formerly Invitae), Labcorp
Classification: Uncertain significance for Biotin-responsive basal ganglia disease. Last evaluated: 2022-06-27. Review status: criteria provided, single submitter. Criteria: Invitae Variant Classification Sherloc (09022015). Collection method: clinical testing. Allele origin: germline.
Comment: This sequence change replaces tyrosine, which is neutral and polar, with asparagine, which is neutral and polar, at codon 4 of the SLC19A3 protein (p.Tyr4Asn). This variant is present in population databases (no rsID available, gnomAD 0.007%). This variant has not been reported in the literature in individuals affected with SLC19A3-related conditions. Advanced modeling of protein sequence and biophysical properties (such as structural, functional, and spatial information, amino acid conservation, physicochemical variation, residue mobility, and thermodynamic stability) performed at Invitae indicates that this missense variant is not expected to disrupt SLC19A3 protein function. In summary, the available evidence is currently insufficient to determine the role of this variant in disease. Therefore, it has been classified as a Variant of Uncertain Significance.

NM_025243.4(SLC19A3):c.10T>A (p.Tyr4Asn)

Gene: SLC19A3 (solute carrier family 19 member 3; minus strand). Cytogenetic location: 2q36.3.
Variant type: single nucleotide variant.
Coding change: c.10T>A on transcript NM_025243.4 (MANE Select); coding-DNA position 10, T replaced by A.
Protein change: p.Tyr4Asn; replaces tyrosine 4 with asparagine.
Molecular consequence: missense variant. On other transcripts: 5 prime UTR variant (2).
Genome position (GRCh38, 1-based): chr2:227,702,309, A>T on the plus strand (T>A on the coding strand, the complement: SLC19A3 is on the minus strand). VCF-style: chr2-227702309-A-T. GRCh37 (hg19) VCF-style: chr2-228567025-A-T.
Other names: c.10T>A, p.Tyr4Asn (NM_001371411.1, NM_001371412.1); c.-199T>A (NM_001371413.1, NM_001371414.1); short protein forms Y4N.
Identifiers: ClinVar variation 1386107 (VCV001386107.5), dbSNP rs1319391961, ClinGen allele CA350878143.